The following is an entry in ClinVar:

NM_001164665.2(KIAA1549):c.136C>T (p.Leu46Phe)

Gene: KIAA1549 (KIAA1549; minus strand). Cytogenetic location: 7q34.
Variant type: single nucleotide variant.
Coding change: c.136C>T on transcript NM_001164665.2 (MANE Select); coding-DNA position 136, C replaced by T.
Protein change: p.Leu46Phe; replaces leucine 46 with phenylalanine.
Molecular consequence: missense variant.
Genome position (GRCh38, 1-based): chr7:138,981,134, G>A on the plus strand (C>T on the coding strand, the complement: KIAA1549 is on the minus strand). VCF-style: chr7-138981134-G-A. GRCh37 (hg19) VCF-style: chr7-138665880-G-A.
Other names: c.136C>T, p.Leu46Phe (NM_020910.3); short protein forms L46F.
Identifiers: ClinVar variation 1401858 (VCV001401858.6), dbSNP rs2130587443, ClinGen allele CA369382285.
Genomic context (GRCh38, chr7:138,981,134, plus strand): 5'-GGAGCTTACCTGGGGCGCACGAGGCCGGCCGGGCCAGCAGCAGCAGCCAGAGGCCAGGAA[G>A]CAGCAGCCCCGGGCGGCGGCGGCGGGCGCAGCGGGCGGAAGGCCGTCGGCCGCTCGGCCC-3'
Protein context (NP_001158137.1, residues 36-56): CARRRRPGLL[Leu46Phe]PGLWLLLLAR

ClinVar aggregate classification (germline): Uncertain significance (1 of 4 stars; one submission).

Submission:

Labcorp Genetics (formerly Invitae), Labcorp
Classification: Uncertain significance. Last evaluated: 2021-10-28. Review status: criteria provided, single submitter. Criteria: Invitae Variant Classification Sherloc (09022015). Collection method: clinical testing. Allele origin: germline.
Comment: This variant is not present in population databases (gnomAD no frequency). This sequence change replaces leucine, which is neutral and non-polar, with phenylalanine, which is neutral and non-polar, at codon 46 of the KIAA1549 protein (p.Leu46Phe). This variant has not been reported in the literature in individuals affected with KIAA1549-related conditions. In summary, the available evidence is currently insufficient to determine the role of this variant in disease. Therefore, it has been classified as a Variant of Uncertain Significance. Algorithms developed to predict the effect of missense changes on protein structure and function are either unavailable or do not agree on the potential impact of this missense change (SIFT: "Deleterious"; PolyPhen-2: "Benign"; Align-GVGD: "Class C0").